The following is an entry in ClinVar:

ClinVar aggregate classification (germline): Uncertain significance (1 of 4 stars; one submission).

Conditions:
Peroxisome biogenesis disorder. Identifiers: Orphanet 79189, MedGen C1832200, MONDO:0019234. Disease mechanism: loss of function.

Allele frequency attached by ClinVar (database versions not stated): TOPMed 0.00001.
gnomAD v4.1: 4 of 1,611,562 alleles (0.00025%); highest among the groups gnomAD compares: Non-Finnish European, 0.00034%; no homozygotes.

Submission:

Labcorp Genetics (formerly Invitae), Labcorp
Classification: Uncertain significance for Peroxisome biogenesis disorder. Last evaluated: 2022-07-15. Review status: criteria provided, single submitter. Criteria: Invitae Variant Classification Sherloc (09022015). Collection method: clinical testing. Allele origin: germline.
Comment: This sequence change replaces threonine, which is neutral and polar, with alanine, which is neutral and non-polar, at codon 190 of the PEX6 protein (p.Thr190Ala). The frequency data for this variant in the population databases is considered unreliable, as metrics indicate poor data quality at this position in the gnomAD database. This variant has not been reported in the literature in individuals affected with PEX6-related conditions. Algorithms developed to predict the effect of missense changes on protein structure and function output the following: SIFT: "Tolerated"; PolyPhen-2: "Benign"; Align-GVGD: "Class C0". The alanine amino acid residue is found in multiple mammalian species, which suggests that this missense change does not adversely affect protein function. In summary, the available evidence is currently insufficient to determine the role of this variant in disease. Therefore, it has been classified as a Variant of Uncertain Significance.

NM_000287.4(PEX6):c.568A>G (p.Thr190Ala)

Gene: PEX6 (peroxisomal biogenesis factor 6; minus strand). Cytogenetic location: 6p21.1.
Variant type: single nucleotide variant.
Coding change: c.568A>G on transcript NM_000287.4 (MANE Select); coding-DNA position 568, A replaced by G.
Protein change: p.Thr190Ala; replaces threonine 190 with alanine.
Molecular consequence: missense variant. On other transcripts: non-coding transcript variant (1).
Genome position (GRCh38, 1-based): chr6:42,978,583, T>C on the plus strand (A>G on the coding strand, the complement: PEX6 is on the minus strand). VCF-style: chr6-42978583-T-C. GRCh37 (hg19) VCF-style: chr6-42946321-T-C.
Other names: c.568A>G, p.Thr190Ala (NM_001316313.2); short protein forms T190A.
Identifiers: ClinVar variation 2143141 (VCV002143141.1), dbSNP rs970998380, ClinGen allele CA138238078.